The following is an entry in ClinVar:

ClinVar aggregate classification (germline): Uncertain significance. Review status: criteria provided, multiple submitters, no conflicts (2 of 4 stars). 2 submissions from 2 submitters: Uncertain significance (2). Last evaluated 2024-11-04.

Conditions:
Inborn genetic diseases. Identifiers: MedGen C0950123, MeSH D030342.

Allele frequency attached by ClinVar (database versions not stated): TOPMed 0.00003; gnomAD 0.00004; ESP Exome Variant Server 0.00008.
gnomAD v4.1: 25 of 1,611,570 alleles (0.0016%); highest among the groups gnomAD compares: African/African-American, 0.004%; no homozygotes.

Submissions (2):

Labcorp Genetics (formerly Invitae), Labcorp
Classification: Uncertain significance. Last evaluated: 2024-11-04. Review status: criteria provided, single submitter. Criteria: Invitae Variant Classification Sherloc (09022015). Collection method: clinical testing. Allele origin: germline.
Comment: This sequence change replaces arginine, which is basic and polar, with histidine, which is basic and polar, at codon 553 of the SLC9A3 protein (p.Arg553His). This variant is present in population databases (rs138322600, gnomAD 0.008%). This variant has not been reported in the literature in individuals affected with SLC9A3-related conditions. ClinVar contains an entry for this variant (Variation ID: 1499396). An algorithm developed to predict the effect of missense changes on protein structure and function (PolyPhen-2) suggests that this variant is likely to be disruptive. In summary, the available evidence is currently insufficient to determine the role of this variant in disease. Therefore, it has been classified as a Variant of Uncertain Significance.

Ambry Genetics
Classification: Uncertain significance for Inborn genetic diseases. Last evaluated: 2024-02-17. Review status: criteria provided, single submitter. Criteria: Ambry Variant Classification Scheme 2023. Collection method: clinical testing. Allele origin: germline.

NM_004174.4(SLC9A3):c.1658G>A (p.Arg553His)

Genes: SLC9A3 (solute carrier family 9 member A3), SLC9A3-AS1 (SLC9A3 antisense RNA 1; plus strand). Cytogenetic location: 5p15.33.
Variant type: single nucleotide variant.
Coding change: c.1658G>A on transcript NM_004174.4 (MANE Select); coding-DNA position 1658, G replaced by A.
Protein change: p.Arg553His; replaces arginine 553 with histidine.
Molecular consequence: missense variant.
Genome position (GRCh38, 1-based): chr5:477,434, C>T on the plus strand (G>A on the coding strand, the complement: SLC9A3 is on the minus strand). VCF-style: chr5-477434-C-T. GRCh37 (hg19) VCF-style: chr5-477549-C-T.
Other names: c.1631G>A, p.Arg544His (NM_001284351.3); c.1658G>A (NM_004174.2); short protein forms R553H, R544H.
Identifiers: ClinVar variation 1499396 (VCV001499396.7), dbSNP rs138322600, ClinGen allele CA3175774.